The following is an entry in ClinVar:

ClinVar aggregate classification (germline): Likely benign. Review status: criteria provided, multiple submitters, no conflicts (2 of 4 stars). 2 submissions from 2 submitters: Likely benign (2). Last evaluated 2026-05-01.

Submissions (2):

CeGaT Center for Human Genetics Tuebingen
Classification: Likely benign. Last evaluated: 2026-05-01. Review status: criteria provided, single submitter. Criteria: CeGaT Center For Human Genetics Tuebingen Variant Classification Criteria Version 2. Collection method: clinical testing. Allele origin: germline. Affected: yes. Observed: 1 variant allele.
Comment: KDM5A: BP4

Labcorp Genetics (formerly Invitae), Labcorp
Classification: Likely benign. Last evaluated: 2018-05-24. Review status: criteria provided, single submitter. Criteria: Invitae Variant Classification Sherloc (09022015). Collection method: clinical testing. Allele origin: germline.

NM_001042603.3(KDM5A):c.243+4del

Gene: KDM5A (lysine demethylase 5A; minus strand). Cytogenetic location: 12p13.33.
Variant type: Deletion.
Coding change: c.243+4del on transcript NM_001042603.3 (MANE Select); 4 bases into the intron after coding-DNA position 243, one base deleted (A; older notation c.243+4delA).
Molecular consequence: intron variant.
Genome position (GRCh38, 1-based): chr12:385,893, T deleted on the plus strand (A on the coding strand, the reverse complement: KDM5A is on the minus strand); the first of 2 consecutive T bases (chr12:385,893-385,894); deleting either gives the same sequence. VCF-style (leftmost placement, unchanged base first): chr12-385892-CT-C. GRCh37 (hg19) VCF-style: chr12-495058-CT-C.
Identifiers: ClinVar variation 717626 (VCV000717626.5), dbSNP rs578097765, ClinGen allele CA6379680.
Genomic context (GRCh38, chr12:385,892, plus strand): 5'-TTCTCTACCTACAGCCCTAATATAAAGAATGAATCAGGAAGCAGAAATAGTGACAAAACA[CT>C]TACCTCAAGTTCATTCAGGCGCTGGACTCTTGGAGTGAAACGAAAGCTTTTTACTTCACA-3'